The following is an entry in ClinVar:

ClinVar aggregate classification (germline): Benign/Likely benign. Review status: criteria provided, multiple submitters, no conflicts (2 of 4 stars). 2 submissions from 2 submitters: Benign (1); Likely benign (1). Last evaluated 2026-06-04.

Conditions:
Gastrointestinal stromal tumor. Also called: Gastrointestinal stromal tumor, somatic; Gastrointestinal stroma tumor. Identifiers: Orphanet 44890, MedGen C0238198, MeSH D046152, MONDO:0011719, OMIM 606764, HP:0100723.

Allele frequency attached by ClinVar (database versions not stated): ExAC 0.00001; gnomAD 0.00001; gnomAD exomes 0.00001.
gnomAD v4.1: 18 of 1,569,246 alleles (0.0011%); highest among the groups gnomAD compares: Non-Finnish European, 0.0015%; no homozygotes.

Submissions (2):

Myriad Genetics, Inc.
Classification: Benign for Gastrointestinal stromal tumor. Last evaluated: 2026-06-04. Review status: criteria provided, single submitter. Criteria: Myriad Autosomal Dominant, Autosomal Recessive and X-Linked Classification Criteria (2023). Collection method: clinical testing. Allele origin: unknown.
Comment: This variant is considered benign. This variant is intronic and is not expected to impact mRNA splicing. This variant has been observed at a population frequency that is significantly greater than expected given the associated disease prevalence and penetrance.

Labcorp Genetics (formerly Invitae), Labcorp
Classification: Likely benign for Gastrointestinal stromal tumor. Last evaluated: 2026-01-26. Review status: criteria provided, single submitter. Criteria: Invitae Variant Classification Sherloc (09022015). Collection method: clinical testing. Allele origin: germline.

NM_000222.3(KIT):c.2485-12C>T

Gene: KIT (KIT proto-oncogene, receptor tyrosine kinase; plus strand). Cytogenetic location: 4q12.
Variant type: single nucleotide variant.
Coding change: c.2485-12C>T on transcript NM_000222.3 (MANE Select); 12 bases into the intron before coding-DNA position 2485, C replaced by T.
Molecular consequence: intron variant.
Genome position (GRCh38, 1-based): chr4:54,736,486, C>T. VCF-style: chr4-54736486-C-T. GRCh37 (hg19) VCF-style: chr4-55602652-C-T.
Other names: c.2488-12C>T (NM_001385284.1); c.2485-12C>T (NM_001385290.1); c.2476-12C>T (NM_001385288.1); c.2473-12C>T (NM_001385292.1, NM_001093772.2); c.2482-12C>T (NM_001385285.1); c.2470-12C>T (NM_001385286.1).
Identifiers: ClinVar variation 1594039 (VCV001594039.17), dbSNP rs768968324, ClinGen allele CA2923781.